The following is an entry in ClinVar:

NM_004304.5(ALK):c.4287G>A (p.Gln1429=)

Gene: ALK (ALK receptor tyrosine kinase; minus strand). Cytogenetic location: 2p23.2.
Variant type: single nucleotide variant.
Coding change: c.4287G>A on transcript NM_004304.5 (MANE Select); coding-DNA position 4287, G replaced by A.
Protein change: p.Gln1429=; no amino-acid change (glutamine 1429 retained).
Molecular consequence: synonymous variant.
Genome position (GRCh38, 1-based): chr2:29,193,800, C>T on the plus strand (G>A on the coding strand, the complement: ALK is on the minus strand). VCF-style: chr2-29193800-C-T. GRCh37 (hg19) VCF-style: chr2-29416666-C-T.
Other names: c.1083G>A, p.Gln361= (NM_001353765.2).
Identifiers: ClinVar variation 643947 (VCV000643947.8), dbSNP rs1573079004, ClinGen allele CA425619341.

ClinVar aggregate classification (germline): Uncertain significance (1 of 4 stars; one submission).

Conditions:
Neuroblastoma, susceptibility to, 3. Also called: ALK-Related Neuroblastic Tumor Susceptibility. Identifiers: Orphanet 635, MedGen C2751681, MONDO:0013083, OMIM 613014.

Submission:

Labcorp Genetics (formerly Invitae), Labcorp
Classification: Uncertain significance for Neuroblastoma, susceptibility to, 3. Last evaluated: 2018-08-12. Review status: criteria provided, single submitter. Criteria: Invitae Variant Classification Sherloc (09022015). Collection method: clinical testing. Allele origin: germline.
Comment: This sequence change affects codon 1429 of the ALK mRNA. It is a 'silent' change, meaning that it does not change the encoded amino acid sequence of the ALK protein. This variant is not present in population databases (ExAC no frequency). This variant has not been reported in the literature in individuals with ALK-related disease. Algorithms developed to predict the effect of sequence changes on RNA splicing suggest that this variant may create or strengthen a splice site, but this prediction has not been confirmed by published transcriptional studies. In summary, the available evidence is currently insufficient to determine the role of this variant in disease. Therefore, it has been classified as a Variant of Uncertain Significance.